The following is an entry in ClinVar:

NM_001267550.2(TTN):c.43213+1G>T

Gene: TTN (titin; minus strand). Cytogenetic location: 2q31.2.
Variant type: single nucleotide variant.
Coding change: c.43213+1G>T on transcript NM_001267550.2 (MANE Select); the canonical splice donor site of the intron after coding-DNA position 43213, G replaced by T.
Molecular consequence: splice donor variant.
Genome position (GRCh38, 1-based): chr2:178,632,917, C>A on the plus strand (G>T on the coding strand, the complement: TTN is on the minus strand). VCF-style: chr2-178632917-C-A. GRCh37 (hg19) VCF-style: chr2-179497644-C-A.
Other names: c.16018+1G>T (NM_003319.4); c.16594+1G>T (NM_133437.4); c.16393+1G>T (NM_133432.3); c.35509+1G>T (NM_133378.4); c.38290+1G>T (NM_001256850.1).
Identifiers: ClinVar variation 2945578 (VCV002945578.3), dbSNP rs2059978690, ClinGen allele CA349651823.

ClinVar aggregate classification (germline): Likely pathogenic (1 of 4 stars; one submission).

Conditions:
Dilated cardiomyopathy 1G (CMD1G). Identifiers: Orphanet 154, MedGen C1858763, MONDO:0011400, OMIM 604145.
Autosomal recessive limb-girdle muscular dystrophy type 2J (LGMDR10). Also called: Limb-girdle muscular dystrophy, type 2J; MUSCULAR DYSTROPHY, LIMB-GIRDLE, AUTOSOMAL RECESSIVE 10. Identifiers: Orphanet 140922, MedGen C1837342, MONDO:0012127, OMIM 608807.

Submission:

Labcorp Genetics (formerly Invitae), Labcorp
Classification: Likely pathogenic for Dilated cardiomyopathy 1G; Autosomal recessive limb-girdle muscular dystrophy type 2J. Last evaluated: 2024-10-18. Review status: criteria provided, single submitter. Criteria: Invitae Variant Classification Sherloc (09022015). Collection method: clinical testing. Allele origin: germline.
Comment: This sequence change affects a donor splice site in intron 234 of the TTN gene. It is expected to disrupt RNA splicing and likely results in a truncated or disrupted TTN protein. This variant is not present in population databases (gnomAD no frequency). This variant has not been reported in the literature in individuals affected with TTN-related conditions. Algorithms developed to predict the effect of sequence changes on RNA splicing suggest that this variant may disrupt the consensus splice site. This variant is located in the I band of TTN (PMID: 25589632). Truncating variants in this region have been reported in individuals affected with autosomal recessive centronuclear myopathy (PMID: 23975875, internal data). Truncating variants in this region have also been identified in individuals affected with autosomal dominant dilated cardiomyopathy and/or cardio-related conditions (PMID: 27869827, 32964742, internal data). In summary, the currently available evidence indicates that the variant is pathogenic, but additional data are needed to prove that conclusively. Therefore, this variant has been classified as Likely Pathogenic.

Literature cited by the submitters: PubMed 25589632; PubMed 23975875; PubMed 27869827; PubMed 32964742.